The following is an entry in ClinVar:

ClinVar aggregate classification (germline): Uncertain significance (0 of 4 stars; one submission).

Conditions:
BBS12-related disorder. Also called: BBS12-related condition.

Submission:

PreventionGenetics, part of Exact Sciences
Classification: Uncertain significance for BBS12-related condition. Last evaluated: 2024-06-11. Review status: no assertion criteria provided. Collection method: clinical testing. Allele origin: germline.
Comment: The BBS12 c.656G>T variant is predicted to result in the amino acid substitution p.Ser219Ile. To our knowledge, this variant has not been reported in the literature or in a large population database, indicating this variant is rare. At this time, the clinical significance of this variant is uncertain due to the absence of conclusive functional and genetic evidence.

NM_152618.3(BBS12):c.656G>T (p.Ser219Ile)

Gene: BBS12 (Bardet-Biedl syndrome 12; plus strand). Cytogenetic location: 4q27.
Variant type: single nucleotide variant.
Coding change: c.656G>T on transcript NM_152618.3 (MANE Select); coding-DNA position 656, G replaced by T.
Protein change: p.Ser219Ile; replaces serine 219 with isoleucine.
Molecular consequence: missense variant.
Genome position (GRCh38, 1-based): chr4:122,742,548, G>T. VCF-style: chr4-122742548-G-T. GRCh37 (hg19) VCF-style: chr4-123663703-G-T.
Other names: c.656G>T, p.Ser219Ile (NM_001178007.2); short protein forms S219I.
Identifiers: ClinVar variation 3345184 (VCV003345184.1).
Genomic context (GRCh38, chr4:122,742,548, plus strand): 5'-TATTTAAACCTCAGACAAAGGTTGAAGCAGATAACAACACATCACGAACTCTGAAAAACA[G>T]CCTGCTTGCAGATACCTGCTGCAGACAGTCAATACTAATCCACAGTAGGCATTTTAATAG-3'
Protein context (NP_689831.2, residues 209-229): DNNTSRTLKN[Ser219Ile]LLADTCCRQS